The following is an entry in ClinVar:

ClinVar aggregate classification (germline): Uncertain significance. Review status: criteria provided, multiple submitters, no conflicts (2 of 4 stars). 2 submissions from 2 submitters: Uncertain significance (2). Last evaluated 2026-07-07.

Conditions:
Gorlin syndrome. Also called: Nevoid Basal Cell Carcinoma Syndrome; Basal cell nevus syndrome. Identifiers: Orphanet 377, MedGen C0004779, MONDO:0007187.
Hereditary cancer-predisposing syndrome. Also called: Hereditary Cancer Syndrome; Hereditary neoplastic syndrome; Neoplastic Syndromes, Hereditary; Tumor predisposition. Identifiers: Orphanet 140162, MedGen C0027672, MeSH D009386, MONDO:0015356.

gnomAD v4.1: 1 of 1,614,180 alleles (0.000062%); highest among the groups gnomAD compares: Non-Finnish European, 0.000085%; no homozygotes.

Submissions (2):

Ambry Genetics
Classification: Uncertain significance for Hereditary cancer-predisposing syndrome. Last evaluated: 2026-07-07. Review status: criteria provided, single submitter. Criteria: Ambry Variant Classification Scheme 2023. Collection method: clinical testing. Allele origin: germline.
Comment: The p.I847M variant (also known as c.2541C>G), located in coding exon 17 of the PTCH1 gene, results from a C to G substitution at nucleotide position 2541. The isoleucine at codon 847 is replaced by methionine, an amino acid with highly similar properties. This amino acid position is conserved. In addition, this alteration is predicted to be deleterious by in silico analysis. Based on the available evidence, the clinical significance of this variant remains unclear.

Labcorp Genetics (formerly Invitae), Labcorp
Classification: Uncertain significance for Gorlin syndrome. Last evaluated: 2025-11-23. Review status: criteria provided, single submitter. Criteria: Invitae Variant Classification Sherloc (09022015). Collection method: clinical testing. Allele origin: germline.
Comment: This sequence change replaces isoleucine, which is neutral and non-polar, with methionine, which is neutral and non-polar, at codon 913 of the PTCH1 protein (p.Ile913Met). This variant is not present in population databases (gnomAD no frequency). This variant has not been reported in the literature in individuals affected with PTCH1-related conditions. Invitae Evidence Modeling of protein sequence and biophysical properties (such as structural, functional, and spatial information, amino acid conservation, physicochemical variation, residue mobility, and thermodynamic stability) indicates that this missense variant is not expected to disrupt PTCH1 protein function with a negative predictive value of 95%. In summary, the available evidence is currently insufficient to determine the role of this variant in disease. Therefore, it has been classified as a Variant of Uncertain Significance.

NM_000264.5(PTCH1):c.2739C>G (p.Ile913Met)

Gene: PTCH1 (patched 1; minus strand). Cytogenetic location: 9q22.32.
Variant type: single nucleotide variant.
Coding change: c.2739C>G on transcript NM_000264.5 (MANE Select); coding-DNA position 2739, C replaced by G.
Protein change: p.Ile913Met; replaces isoleucine 913 with methionine.
Molecular consequence: missense variant. On other transcripts: non-coding transcript variant (1).
Genome position (GRCh38, 1-based): chr9:95,459,748, G>C on the plus strand (C>G on the coding strand, the complement: PTCH1 is on the minus strand). VCF-style: chr9-95459748-G-C. GRCh37 (hg19) VCF-style: chr9-98222030-G-C.
Other names: c.2541C>G, p.Ile847Met (NM_001083602.3); c.2736C>G, p.Ile912Met (NM_001083603.3); c.2286C>G, p.Ile762Met (NM_001083604.3, NM_001083605.3, NM_001083606.3 and 1 more transcripts); c.2583C>G, p.Ile861Met (NM_001354918.2); short protein forms I762M, I847M, I861M, I913M, I912M.
Identifiers: ClinVar variation 4778161 (VCV004778161.2).